The following is an entry in ClinVar:

ClinVar aggregate classification (germline): Uncertain significance. Review status: criteria provided, multiple submitters, no conflicts (2 of 4 stars). 2 submissions from 2 submitters: Uncertain significance (2). Last evaluated 2025-09-04.

Conditions:
Autosomal recessive limb-girdle muscular dystrophy type 2J (LGMDR10). Also called: Limb-girdle muscular dystrophy, type 2J; MUSCULAR DYSTROPHY, LIMB-GIRDLE, AUTOSOMAL RECESSIVE 10. Identifiers: Orphanet 140922, MedGen C1837342, MONDO:0012127, OMIM 608807.
Dilated cardiomyopathy 1G (CMD1G). Identifiers: Orphanet 154, MedGen C1858763, MONDO:0011400, OMIM 604145.
Myopathy, myofibrillar, 9, with early respiratory failure (MFM9). Also called: Hereditary myopathy with early respiratory failure; Myopathy, distal, with early respiratory failure, autosomal dominant; EDSTROM MYOPATHY; MYOPATHY, PROXIMAL, WITH EARLY RESPIRATORY MUSCLE INVOLVEMENT. Identifiers: Orphanet 178464, Orphanet 34521, MedGen C1863599, MONDO:0011362, OMIM 603689.

Allele frequency attached by ClinVar (database versions not stated): gnomAD exomes below 0.00001.
gnomAD v4.1: 4 of 1,614,026 alleles (0.00025%); highest among the groups gnomAD compares: South Asian, 0.0033%; no homozygotes.

Submissions (2):

Labcorp Genetics (formerly Invitae), Labcorp
Classification: Uncertain significance for Dilated cardiomyopathy 1G; Autosomal recessive limb-girdle muscular dystrophy type 2J. Last evaluated: 2025-09-04. Review status: criteria provided, single submitter. Criteria: Invitae Variant Classification Sherloc (09022015). Collection method: clinical testing. Allele origin: germline.
Comment: This sequence change replaces glutamic acid, which is acidic and polar, with lysine, which is basic and polar, at codon 35601 of the TTN protein (p.Glu35601Lys). This variant is not present in population databases (gnomAD no frequency). This variant has not been reported in the literature in individuals affected with TTN-related conditions. ClinVar contains an entry for this variant (Variation ID: 567990). Experimental studies and prediction algorithms are not available or were not evaluated, and the functional significance of this variant is currently unknown. This variant is located in the M band of TTN (PMID: 25589632). Non-truncating variants in this region may be relevant for neuromuscular disorders, but have not been definitively shown to cause cardiomyopathy (PMID: 23975875). In summary, the available evidence is currently insufficient to determine the role of this variant in disease. Therefore, it has been classified as a Variant of Uncertain Significance.

Baylor Genetics
Classification: Uncertain significance for Myopathy, myofibrillar, 9, with early respiratory failure. Last evaluated: 2019-03-27. Review status: criteria provided, single submitter. Criteria: ACMG Guidelines, 2015. Collection method: clinical testing. Allele origin: paternal. Affected: yes.
Comment: This variant was determined to be of uncertain significance according to ACMG Guidelines, 2015 [PMID:25741868].

Literature cited by the submitters: PubMed 25589632 (cited by Labcorp Genetics (formerly Invitae), Labcorp); PubMed 23975875 (cited by Labcorp Genetics (formerly Invitae), Labcorp).

NM_001267550.2(TTN):c.106801G>A (p.Glu35601Lys)

Genes: TTN (titin; minus strand), TTN-AS1 (TTN antisense RNA 1; plus strand). Cytogenetic location: 2q31.2.
Variant type: single nucleotide variant.
Coding change: c.106801G>A on transcript NM_001267550.2 (MANE Select); coding-DNA position 106801, G replaced by A.
Protein change: p.Glu35601Lys; replaces glutamic acid 35601 with lysine.
Molecular consequence: missense variant.
Genome position (GRCh38, 1-based): chr2:178,528,950, C>T on the plus strand (G>A on the coding strand, the complement: TTN is on the minus strand). VCF-style: chr2-178528950-C-T. GRCh37 (hg19) VCF-style: chr2-179393677-C-T.
Other names: c.101878G>A, p.Glu33960Lys (NM_001256850.1); c.79606G>A, p.Glu26536Lys (NM_003319.4); c.99097G>A, p.Glu33033Lys (NM_133378.4); c.79981G>A, p.Glu26661Lys (NM_133432.3); c.80182G>A, p.Glu26728Lys (NM_133437.4); short protein forms E35601K, E33960K, E26661K, E33033K, E26536K, E26728K.
Identifiers: ClinVar variation 567990 (VCV000567990.8), dbSNP rs1558972236, ClinGen allele CA349403046.